The following is an entry in ClinVar:

ClinVar aggregate classification (germline): Uncertain significance (1 of 4 stars; one submission).

Allele frequency attached by ClinVar (database versions not stated): TOPMed below 0.00001.
gnomAD v4.1: 10 of 1,614,034 alleles (0.00062%); highest among the groups gnomAD compares: Non-Finnish European, 0.00068%; no homozygotes.

Submission:

Ambry Genetics
Classification: Uncertain significance. Last evaluated: 2023-09-07. Review status: criteria provided, single submitter. Criteria: Ambry Variant Classification Scheme 2023. Collection method: clinical testing. Allele origin: germline.
Comment: The p.G1854R variant (also known as c.5560G>C), located in coding exon 6 of the ALPK2 gene, results from a G to C substitution at nucleotide position 5560. The glycine at codon 1854 is replaced by arginine, an amino acid with dissimilar properties. This amino acid position is conserved. In addition, this alteration is predicted to be deleterious by in silico analysis. Since supporting evidence is limited at this time, the clinical significance of this alteration remains unclear.

NM_052947.4(ALPK2):c.5560G>C (p.Gly1854Arg)

Gene: ALPK2 (alpha kinase 2; minus strand). Cytogenetic location: 18q21.31.
Variant type: single nucleotide variant.
Coding change: c.5560G>C on transcript NM_052947.4 (MANE Select); coding-DNA position 5560, G replaced by C.
Protein change: p.Gly1854Arg; replaces glycine 1854 with arginine.
Molecular consequence: missense variant.
Genome position (GRCh38, 1-based): chr18:58,524,004, C>G on the plus strand (G>C on the coding strand, the complement: ALPK2 is on the minus strand). VCF-style: chr18-58524004-C-G. GRCh37 (hg19) VCF-style: chr18-56191236-C-G.
Other names: short protein forms G1854R.
Identifiers: ClinVar variation 1748310 (VCV001748310.3), dbSNP rs1444825687, ClinGen allele CA402551607.